The following is an entry in ClinVar:

ClinVar aggregate classification (germline): Likely pathogenic (1 of 4 stars; one submission).

Conditions:
Imerslund-Grasbeck syndrome. Also called: ENTEROCYTE COBALAMIN MALABSORPTION; ENTEROCYTE INTRINSIC FACTOR RECEPTOR, DEFECT OF; PERNICIOUS ANEMIA, JUVENILE, DUE TO SELECTIVE INTESTINAL MALABSORPTION OF VITAMIN B12, WITH PROTEINURIA; Megaloblastic anemia due to inborn errors of metabolism; Imerslund-Gräsbeck syndrome. Identifiers: Orphanet 35858, MedGen C4551825, MONDO:0009853.

Submission:

Labcorp Genetics (formerly Invitae), Labcorp
Classification: Likely pathogenic for Imerslund-Grasbeck syndrome. Last evaluated: 2023-02-03. Review status: criteria provided, single submitter. Criteria: Invitae Variant Classification Sherloc (09022015). Collection method: clinical testing. Allele origin: germline.
Comment: In summary, the currently available evidence indicates that the variant is pathogenic, but additional data are needed to prove that conclusively. Therefore, this variant has been classified as Likely Pathogenic. Algorithms developed to predict the effect of sequence changes on RNA splicing suggest that this variant may disrupt the consensus splice site. This variant has not been reported in the literature in individuals affected with AMN-related conditions. This variant is not present in population databases (gnomAD no frequency). This sequence change affects a donor splice site in intron 3 of the AMN gene. It is expected to disrupt RNA splicing. Variants that disrupt the donor or acceptor splice site typically lead to a loss of protein function (PMID: 16199547), and loss-of-function variants in AMN are known to be pathogenic (PMID: 12590260, 22929189).

Literature cited by the submitters: PubMed 16199547; PubMed 12590260; PubMed 22929189.

NM_030943.4(AMN):c.207+1G>A

Gene: AMN (amnion associated transmembrane protein; plus strand). Cytogenetic location: 14q32.32.
Variant type: single nucleotide variant.
Coding change: c.207+1G>A on transcript NM_030943.4 (MANE Select); the canonical splice donor site of the intron after coding-DNA position 207, G replaced by A.
Molecular consequence: splice donor variant.
Genome position (GRCh38, 1-based): chr14:102,923,980, G>A. VCF-style: chr14-102923980-G-A. GRCh37 (hg19) VCF-style: chr14-103390317-G-A.
Identifiers: ClinVar variation 2990084 (VCV002990084.3), dbSNP rs2542686004, ClinGen allele CA391079735.